The following is an entry in ClinVar:

ClinVar aggregate classification (germline): Uncertain significance (1 of 4 stars; one submission).

Conditions:
Joubert syndrome 14 (JBTS14). Identifiers: MedGen C3280766, MONDO:0013745, OMIM 614424.

Allele frequency attached by ClinVar (database versions not stated): gnomAD exomes below 0.00001.
gnomAD v4.1: 2 of 1,546,128 alleles (0.00013%); highest among the groups gnomAD compares: East Asian, 0.0025%; no homozygotes.

Submission:

Labcorp Genetics (formerly Invitae), Labcorp
Classification: Uncertain significance for Joubert syndrome 14. Last evaluated: 2021-10-21. Review status: criteria provided, single submitter. Criteria: Invitae Variant Classification Sherloc (09022015). Collection method: clinical testing. Allele origin: germline.
Comment: This variant has not been reported in the literature in individuals affected with TMEM237-related conditions. In summary, the available evidence is currently insufficient to determine the role of this variant in disease. Therefore, it has been classified as a Variant of Uncertain Significance. Algorithms developed to predict the effect of missense changes on protein structure and function output the following: SIFT: "Tolerated"; PolyPhen-2: "Benign"; Align-GVGD: "Class C0". The glutamine amino acid residue is found in multiple mammalian species, which suggests that this missense change does not adversely affect protein function. This variant is not present in population databases (gnomAD no frequency). This sequence change replaces arginine, which is basic and polar, with glutamine, which is neutral and polar, at codon 8 of the TMEM237 protein (p.Arg8Gln).

NM_001044385.3(TMEM237):c.23G>A (p.Arg8Gln)

Genes: TMEM237 (transmembrane protein 237; minus strand), LOC129935417 (ATAC-STARR-seq lymphoblastoid silent region 12235; plus strand). Cytogenetic location: 2q33.1.
Variant type: single nucleotide variant.
Coding change: c.23G>A on transcript NM_001044385.3 (MANE Select); coding-DNA position 23, G replaced by A.
Protein change: p.Arg8Gln; replaces arginine 8 with glutamine.
Molecular consequence: missense variant.
Genome position (GRCh38, 1-based): chr2:201,643,378, C>T on the plus strand (G>A on the coding strand, the complement: TMEM237 is on the minus strand). VCF-style: chr2-201643378-C-T. GRCh37 (hg19) VCF-style: chr2-202508101-C-T.
Other names: short protein forms R8Q.
Identifiers: ClinVar variation 1346096 (VCV001346096.6), dbSNP rs778373105, ClinGen allele CA350317738.